The following is an entry in ClinVar:

NM_015378.4(VPS13D):c.494A>G (p.Asn165Ser)

Gene: VPS13D (vacuolar protein sorting 13 homolog D; plus strand). Cytogenetic location: 1p36.22.
Variant type: single nucleotide variant.
Coding change: c.494A>G on transcript NM_015378.4 (MANE Select); coding-DNA position 494, A replaced by G.
Protein change: p.Asn165Ser; replaces asparagine 165 with serine.
Molecular consequence: missense variant.
Genome position (GRCh38, 1-based): chr1:12,249,269, A>G. VCF-style: chr1-12249269-A-G. GRCh37 (hg19) VCF-style: chr1-12309326-A-G.
Other names: p.Asn165Ser; c.494A>G, p.Asn165Ser (NM_018156.4); short protein forms N165S.
Identifiers: ClinVar variation 2154769 (VCV002154769.4), dbSNP rs764278275, ClinGen allele CA601234.

ClinVar aggregate classification (germline): Uncertain significance. Review status: criteria provided, multiple submitters, no conflicts (2 of 4 stars). 2 submissions from 2 submitters: Uncertain significance (2). Last evaluated 2024-07-01.

Allele frequency attached by ClinVar (database versions not stated): gnomAD exomes 0.00004; TOPMed 0.00004; ExAC 0.00005; gnomAD 0.00007.
gnomAD v4.1: 68 of 1,613,886 alleles (0.0042%); highest among the groups gnomAD compares: Non-Finnish European, 0.0053%; no homozygotes.

Submissions (2):

Mayo Clinic Laboratories, Mayo Clinic
Classification: Uncertain significance. Last evaluated: 2024-07-01. Review status: criteria provided, single submitter. Criteria: ACMG Guidelines, 2015. Collection method: clinical testing. Allele origin: germline. Observed: 1 variant allele.
Comment: BP4, PM2

Labcorp Genetics (formerly Invitae), Labcorp
Classification: Uncertain significance. Last evaluated: 2022-02-23. Review status: criteria provided, single submitter. Criteria: Invitae Variant Classification Sherloc (09022015). Collection method: clinical testing. Allele origin: germline.
Comment: This variant is present in population databases (rs764278275, gnomAD 0.006%). This variant has not been reported in the literature in individuals affected with VPS13D-related conditions. Algorithms developed to predict the effect of missense changes on protein structure and function output the following: SIFT: "Tolerated"; PolyPhen-2: "Benign"; Align-GVGD: "Class C0". The serine amino acid residue is found in multiple mammalian species, which suggests that this missense change does not adversely affect protein function. In summary, the available evidence is currently insufficient to determine the role of this variant in disease. Therefore, it has been classified as a Variant of Uncertain Significance. This sequence change replaces asparagine, which is neutral and polar, with serine, which is neutral and polar, at codon 165 of the VPS13D protein (p.Asn165Ser).